The following is an entry in ClinVar:

ClinVar aggregate classification (germline): Conflicting classifications of pathogenicity. Review status: criteria provided, conflicting classifications (1 of 4 stars). 3 submissions from 3 submitters: Uncertain significance (1); Likely benign (2). Last evaluated 2025-07-08.

Conditions:
ROBO3-related disorder. Also called: ROBO3-related condition.
Gaze palsy, familial horizontal, with progressive scoliosis 1 (HGPPS1). Identifiers: Orphanet 2744, MedGen C4551964, MONDO:0020790, OMIM 607313.

Allele frequency attached by ClinVar (database versions not stated): gnomAD exomes 0.00007; ESP Exome Variant Server 0.00017; ExAC 0.00024; gnomAD 0.00067 and 0.00071; TOPMed 0.00076; 1000 Genomes Project 30x 0.00109; 1000 Genomes Project 0.00120.
gnomAD v4.1: 207 of 1,554,508 alleles (0.013%); highest among the groups gnomAD compares: African/African-American, 0.25%; no homozygotes.

Submissions (3):

PreventionGenetics, part of Exact Sciences
Classification: Likely benign for ROBO3-related condition. Last evaluated: 2025-07-08. Review status: criteria provided, single submitter. Criteria: ACMG Guidelines, 2015. Collection method: clinical testing. Allele origin: germline.
Comment: This variant is classified as likely benign based on ACMG/AMP sequence variant interpretation guidelines (Richards et al. 2015 PMID: 25741868, with internal and published modifications).

Labcorp Genetics (formerly Invitae), Labcorp
Classification: Likely benign. Last evaluated: 2018-05-31. Review status: criteria provided, single submitter. Criteria: Invitae Variant Classification Sherloc (09022015). Collection method: clinical testing. Allele origin: germline.

Illumina Laboratory Services, Illumina
Classification: Uncertain significance for Gaze palsy, familial horizontal, with progressive scoliosis 1. Last evaluated: 2018-01-13. Review status: criteria provided, single submitter. Criteria: ICSL Variant Classification Criteria 13 December 2019. Collection method: clinical testing. Allele origin: germline.

NM_022370.4(ROBO3):c.3567T>C (p.Ser1189=)

Gene: ROBO3 (roundabout guidance receptor 3; plus strand). Cytogenetic location: 11q24.2.
Variant type: single nucleotide variant.
Coding change: c.3567T>C on transcript NM_022370.4 (MANE Select); coding-DNA position 3567, T replaced by C.
Protein change: p.Ser1189=; no amino-acid change (serine 1189 retained).
Molecular consequence: synonymous variant. On other transcripts: non-coding transcript variant (7).
Genome position (GRCh38, 1-based): chr11:124,879,223, T>C. VCF-style: chr11-124879223-T-C. GRCh37 (hg19) VCF-style: chr11-124749119-T-C.
Other names: c.714T>C, p.Ser238= (NM_001370356.1, NM_001370357.1, NM_001370358.1 and 2 more transcripts); c.519T>C, p.Ser173= (NM_001370364.1, NM_001370366.1).
Identifiers: ClinVar variation 303270 (VCV000303270.9), dbSNP rs201358102, ClinGen allele CA6344195.
Genomic context (GRCh38, chr11:124,879,223, plus strand): 5'-AGAGGCTGCGGCCTCCTGTCATTGCAGGAGGGTGCCCCTTGGGCCGAGTTCCCCTCTCAG[T>C]GTATCCCAGCCCATGCTGGGCATCCGTGAAGCGAGGCCTGCTGGCTTGGGTGCTGGCCCT-3'
Protein context (NP_071765.2, residues 1179-1199): RVPLGPSSPL[Ser1189=]VSQPMLGIRE